The following is an entry in ClinVar:

ClinVar aggregate classification (germline): Uncertain significance (1 of 4 stars; one submission).

gnomAD v4.1: 58 of 1,490,786 alleles (0.0039%); highest among the groups gnomAD compares: Non-Finnish European, 0.0045%; no homozygotes.

Submission:

Labcorp Genetics (formerly Invitae), Labcorp
Classification: Uncertain significance. Last evaluated: 2024-08-05. Review status: criteria provided, single submitter. Criteria: Invitae Variant Classification Sherloc (09022015). Collection method: clinical testing. Allele origin: germline.
Comment: This sequence change replaces glycine, which is neutral and non-polar, with valine, which is neutral and non-polar, at codon 13 of the TRPV6 protein (p.Gly13Val). This variant is present in population databases (no rsID available, gnomAD 0.007%). This variant has not been reported in the literature in individuals affected with TRPV6-related conditions. Experimental studies and prediction algorithms are not available or were not evaluated, and the functional significance of this variant is currently unknown. In summary, the available evidence is currently insufficient to determine the role of this variant in disease. Therefore, it has been classified as a Variant of Uncertain Significance.

NM_018646.6(TRPV6):c.38G>T (p.Gly13Val)

Gene: TRPV6 (transient receptor potential cation channel subfamily V member 6; minus strand). Cytogenetic location: 7q34.
Variant type: single nucleotide variant.
Coding change: c.38G>T on transcript NM_018646.6 (MANE Select); coding-DNA position 38, G replaced by T.
Protein change: p.Gly13Val; replaces glycine 13 with valine.
Molecular consequence: missense variant.
Genome position (GRCh38, 1-based): chr7:142,885,599, C>A on the plus strand (G>T on the coding strand, the complement: TRPV6 is on the minus strand). VCF-style: chr7-142885599-C-A. GRCh37 (hg19) VCF-style: chr7-142583344-C-A.
Other names: short protein forms G13V.
Identifiers: ClinVar variation 3705746 (VCV003705746.2).